The following is an entry in ClinVar:

ClinVar aggregate classification (germline): Uncertain significance (1 of 4 stars; one submission).

Conditions:
Pure or complex autosomal recessive spastic paraplegia. Identifiers: Orphanet 320346, MedGen C5679887, MONDO:0017915.

gnomAD v4.1: 1 of 1,594,864 alleles (0.000063%); highest among the groups gnomAD compares: Non-Finnish European, 0.000085%; no homozygotes.

Submission:

Labcorp Genetics (formerly Invitae), Labcorp
Classification: Uncertain significance for Pure or complex autosomal recessive spastic paraplegia. Last evaluated: 2025-06-13. Review status: criteria provided, single submitter. Criteria: Invitae Variant Classification Sherloc (09022015). Collection method: clinical testing. Allele origin: germline.
Comment: This sequence change falls in intron 9 of the ZFR gene. It does not directly change the encoded amino acid sequence of the ZFR protein. It affects a nucleotide within the consensus splice site. This variant is not present in population databases (gnomAD no frequency). This variant has not been reported in the literature in individuals affected with ZFR-related conditions. Variants that disrupt the consensus splice site are a relatively common cause of aberrant splicing (PMID: 17576681, 9536098). Algorithms developed to predict the effect of sequence changes on RNA splicing suggest that this variant is not likely to affect RNA splicing. In summary, the available evidence is currently insufficient to determine the role of this variant in disease. Therefore, it has been classified as a Variant of Uncertain Significance.

Literature cited by the submitters: PubMed 17576681; PubMed 9536098.

NM_016107.5(ZFR):c.1713+5T>C

Gene: ZFR (zinc finger RNA binding protein; minus strand). Cytogenetic location: 5p13.3.
Variant type: single nucleotide variant.
Coding change: c.1713+5T>C on transcript NM_016107.5 (MANE Select); 5 bases into the intron after coding-DNA position 1713, T replaced by C.
Molecular consequence: intron variant.
Genome position (GRCh38, 1-based): chr5:32,400,002, A>G on the plus strand (T>C on the coding strand, the complement: ZFR is on the minus strand). VCF-style: chr5-32400002-A-G. GRCh37 (hg19) VCF-style: chr5-32400107-A-G.
Identifiers: ClinVar variation 4781691 (VCV004781691.1).
Genomic context (GRCh38, chr5:32,400,002, plus strand): 5'-TATGCTCGTAATGCACTTCTTCCCTTTATCCAATTTCACAGCAATGGTATTCTCAAATCA[A>G]TTACCTCTTCCACATAATCATGGCCCACTGGCTGCACATCACTCTGTAAAGCAGCAAGAG-3'